The following is an entry in ClinVar:

NM_172107.4(KCNQ2):c.514G>A (p.Asp172Asn)

Gene: KCNQ2 (potassium voltage-gated channel subfamily Q member 2; minus strand). Cytogenetic location: 20q13.33.
Variant type: single nucleotide variant.
Coding change: c.514G>A on transcript NM_172107.4 (MANE Select); coding-DNA position 514, G replaced by A.
Protein change: p.Asp172Asn; replaces aspartic acid 172 with asparagine.
Molecular consequence: missense variant.
Genome position (GRCh38, 1-based): chr20:63,445,238, C>T on the plus strand (G>A on the coding strand, the complement: KCNQ2 is on the minus strand). VCF-style: chr20-63445238-C-T. GRCh37 (hg19) VCF-style: chr20-62076591-C-T.
Other names: c.514G>A, p.Asp172Asn (NM_001382235.1, NM_004518.6, NM_172106.3 and 2 more transcripts); short protein forms D172N.
Identifiers: ClinVar variation 1710249 (VCV001710249.7), dbSNP rs2516510474, ClinGen allele CA409655045.

ClinVar aggregate classification (germline): Uncertain significance. Review status: criteria provided, single submitter (1 of 4 stars). 2 submissions from 2 submitters: Uncertain significance (1). 1 of the submissions does not count toward it. Last evaluated 2023-04-24.

Conditions:
Early-infantile DEE. Also called: Ohtahara syndrome; Early infantile epileptic encephalopathy with suppression bursts; Early infantile epileptic encephalopathy. Identifiers: Orphanet 1934, MedGen C0393706, MONDO:0800491.
Developmental and epileptic encephalopathy, 7 (DEE7). Also called: KCNQ2-Related Neonatal-Onset Developmental and Epileptic Encephalopathy (NEO-DEE); Early infantile epileptic encephalopathy 7; KCNQ2-Related Neonatal Epileptic Encephalopathy. Identifiers: Orphanet 439218, MedGen C3150986, MONDO:0013387, OMIM 613720.

Submissions (2):

Labcorp Genetics (formerly Invitae), Labcorp
Classification: Uncertain significance for Early-infantile DEE. Last evaluated: 2023-04-24. Review status: criteria provided, single submitter. Criteria: Invitae Variant Classification Sherloc (09022015). Collection method: clinical testing. Allele origin: germline.
Comment: Variants that disrupt the consensus splice site are a relatively common cause of aberrant splicing (PMID: 17576681, 9536098). Algorithms developed to predict the effect of sequence changes on RNA splicing suggest that this variant may disrupt the consensus splice site. An algorithm developed to predict the effect of missense changes on protein structure and function (PolyPhen-2) suggests that this variant is likely to be disruptive. ClinVar contains an entry for this variant (Variation ID: 1710249). This variant has not been reported in the literature in individuals affected with KCNQ2-related conditions. This variant is not present in population databases (gnomAD no frequency). This sequence change replaces aspartic acid, which is acidic and polar, with asparagine, which is neutral and polar, at codon 172 of the KCNQ2 protein (p.Asp172Asn). This variant also falls at the last nucleotide of exon 3, which is part of the consensus splice site for this exon. In summary, the available evidence is currently insufficient to determine the role of this variant in disease. Therefore, it has been classified as a Variant of Uncertain Significance. This variant disrupts the p.Asp172 amino acid residue in KCNQ2. Other variant(s) that disrupt this residue have been determined to be pathogenic (Invitae). This suggests that this residue is clinically significant, and that variants that disrupt this residue are likely to be disease-causing.

Clinical Genetics Laboratory, University Hospital Schleswig-Holstein
Classification: Likely pathogenic for Developmental and epileptic encephalopathy, 7. Last evaluated: 2022-05-02. Review status: no assertion criteria provided. Collection method: clinical testing. Allele origin: germline. Affected: yes. Not counted in ClinVar's aggregate classification.

Literature cited by the submitters: PubMed 17576681 (cited by Labcorp Genetics (formerly Invitae), Labcorp); PubMed 9536098 (cited by Labcorp Genetics (formerly Invitae), Labcorp).